The following is an entry in ClinVar:

NM_004415.4(DSP):c.8582_8591del (p.Ser2861fs)

Gene: DSP (desmoplakin; plus strand). Cytogenetic location: 6p24.3.
Variant type: Deletion.
Coding change: c.8582_8591del on transcript NM_004415.4 (MANE Select); coding-DNA positions 8582 to 8591, 10 bases deleted (CCTACTCATT; older notation c.8582_8591delCCTACTCATT).
Protein change: p.Ser2861fs; shifts the reading frame from serine 2861.
Molecular consequence: frameshift variant.
Genome position (GRCh38, 1-based): chr6:7,585,844-7,585,853, CCTACTCATT deleted; deleting any 10 consecutive bases within chr6:7,585,841-7,585,853 gives the same sequence; the c. name uses the placement nearest the transcript's 3' end. VCF-style (leftmost placement, unchanged base first): chr6-7585840-TATTCCTACTC-T. GRCh37 (hg19) VCF-style: chr6-7586073-TATTCCTACTC-T.
Other names: c.6785_6794del, p.Ser2262fs (NM_001008844.3); c.7253_7262del, p.Ser2418fs (NM_001319034.2); short protein forms S2262fs, S2418fs, S2861fs.
Identifiers: ClinVar variation 3072978 (VCV003072978.1), dbSNP rs2533953228, ClinGen allele CA2516181884.
Genomic context (GRCh38, chr6:7,585,840, plus strand): 5'-GGGTCCCGCAGTGGGTCCCGGAGAGGAAGCTTTGACGCCACAGGGAATTCTTCCTACTCT[TATTCCTACTC>T]ATTTAGCAGTAGTTCTATTGGGCACTAGTAGTCAGTTGGGAGTGGTTGCTATACCTTGAC-3'

ClinVar aggregate classification (germline): Uncertain significance (1 of 4 stars; one submission).

Conditions:
Arrhythmogenic cardiomyopathy with wooly hair and keratoderma. Also called: PALMOPLANTAR KERATODERMA WITH LEFT VENTRICULAR CARDIOMYOPATHY AND WOOLLY HAIR; Carvajal syndrome; Dilated cardiomyopathy with woolly hair and keratoderma; Arrhythmogenic cardiomyopathy with woolly hair and keratoderma. Identifiers: Orphanet 65282, MedGen C1854063, MONDO:0011581, OMIM 605676.

Submission:

All of Us Research Program, National Institutes of Health
Classification: Uncertain significance for Arrhythmogenic cardiomyopathy with wooly hair and keratoderma. Last evaluated: 2023-08-15. Review status: criteria provided, single submitter. Criteria: ACMG Guidelines, 2015. Collection method: clinical testing. Allele origin: germline. Inheritance: Autosomal dominant inheritance. Observed: 1 variant allele, 1 heterozygote.
Comment: This variant deletes 10 nucleotides in exon 24 of the DSP gene, creating a frameshift causing a frameshift in the last exon and addition of 19 new amino acids before introducing a stop codon. This results in a protein product that is 9 amino acids longer than the normal protein product. To our knowledge, this variant has not been reported in individuals affected with DSP-related disorders in the literature. This variant has not been identified in the general population by the Genome Aggregation Database (gnomAD). Loss of DSP function is a known mechanism of disease. The available evidence is insufficient to determine the role of this variant in disease conclusively. Therefore, this variant is classified as a Variant of Uncertain Significance.

This study involves interpretation of variants in research participants for the purpose of population health screening. Participant phenotype was not available at the time of variant classification. Additional details can be found in publication PMID: 35346344, PMCID: PMC8962531